The following is an entry in ClinVar:

ClinVar aggregate classification (germline): Uncertain significance (1 of 4 stars; one submission).

Conditions:
Familial adenomatous polyposis 1 (FAP1). Also called: FAMILIAL ADENOMATOUS POLYPOSIS 1, ATTENUATED; POLYPOSIS, ADENOMATOUS INTESTINAL. Identifiers: MedGen C2713442, MONDO:0021056, OMIM 175100. Disease mechanism: loss of function.

Submission:

Labcorp Genetics (formerly Invitae), Labcorp
Classification: Uncertain significance for Familial adenomatous polyposis 1. Last evaluated: 2021-10-31. Review status: criteria provided, single submitter. Criteria: Invitae Variant Classification Sherloc (09022015). Collection method: clinical testing. Allele origin: germline.
Comment: In summary, the available evidence is currently insufficient to determine the role of this variant in disease. Therefore, it has been classified as a Variant of Uncertain Significance. Experimental studies and prediction algorithms are not available or were not evaluated, and the functional significance of this variant is currently unknown. This variant has not been reported in the literature in individuals affected with APC-related conditions. This variant is not present in population databases (gnomAD no frequency). This variant occurs in a non-coding region of the APC gene. It does not change the encoded amino acid sequence of the APC protein.

NM_001127511.3(APC):c.64C>G (p.Leu22Val)

Gene: APC (APC regulator of Wnt signaling pathway; plus strand). Cytogenetic location: 5q22.2.
Variant type: single nucleotide variant.
Coding change: c.64C>G on transcript NM_001127511.3; coding-DNA position 64, C replaced by G.
Protein change: p.Leu22Val; replaces leucine 22 with valine.
Molecular consequence: missense variant. On other transcripts: 5 prime UTR variant (8), non-coding transcript variant (1), intron variant (5).
Genome position (GRCh38, 1-based): chr5:112,707,781, C>G. VCF-style: chr5-112707781-C-G. GRCh37 (hg19) VCF-style: chr5-112043478-C-G.
Other names: c.-120C>G (NM_001354895.2, NM_001407447.1, NM_001407452.1 and 3 more transcripts); c.64C>G, p.Leu22Val (NM_001354897.2, NM_001354902.2, NM_001407446.1); c.-1155C>G (NM_001407470.1, NM_001407472.1); c.-19+132C>G (NM_001407448.1, NM_001407450.1, NM_001407457.1 and 1 more transcripts); c.-43+132C>G (NM_001407453.1); short protein forms L22V.
Identifiers: ClinVar variation 1390407 (VCV001390407.7), dbSNP rs1554060282, ClinGen allele CA360611827.